The following is an entry in ClinVar:

NM_002755.4(MAP2K1):c.305A>T (p.Glu102Val)

Gene: MAP2K1 (mitogen-activated protein kinase kinase 1; plus strand). Cytogenetic location: 15q22.31.
Variant type: single nucleotide variant.
Coding change: c.305A>T on transcript NM_002755.4 (MANE Select); coding-DNA position 305, A replaced by T.
Protein change: p.Glu102Val; replaces glutamic acid 102 with valine.
Molecular consequence: missense variant.
Genome position (GRCh38, 1-based): chr15:66,436,759, A>T. VCF-style: chr15-66436759-A-T. GRCh37 (hg19) VCF-style: chr15-66729097-A-T.
Other names: c.239A>T, p.Glu80Val (NM_001411065.1); short protein forms E102V, E80V.
Identifiers: ClinVar variation 1991575 (VCV001991575.4), dbSNP rs797044593, ClinGen allele CA392930284.

ClinVar aggregate classification (germline): Likely pathogenic (1 of 4 stars; one submission).

Conditions:
RASopathy. Also called: rasopathies; Noonan spectrum disorder. Identifiers: Orphanet 536391, MedGen C5555857, MONDO:0021060.

Submission:

Labcorp Genetics (formerly Invitae), Labcorp
Classification: Likely pathogenic for RASopathy. Last evaluated: 2022-06-29. Review status: criteria provided, single submitter. Criteria: Invitae Variant Classification Sherloc (09022015). Collection method: clinical testing. Allele origin: germline.
Comment: In summary, the currently available evidence indicates that the variant is pathogenic, but additional data are needed to prove that conclusively. Therefore, this variant has been classified as Likely Pathogenic. This variant disrupts the p.Glu102 amino acid residue in MAP2K1. Other variant(s) that disrupt this residue have been determined to be pathogenic (PMID: 25423878). This suggests that this residue is clinically significant, and that variants that disrupt this residue are likely to be disease-causing. Advanced modeling of protein sequence and biophysical properties (such as structural, functional, and spatial information, amino acid conservation, physicochemical variation, residue mobility, and thermodynamic stability) performed at Invitae indicates that this missense variant is expected to disrupt MAP2K1 protein function. This variant has not been reported in the literature in individuals affected with MAP2K1-related conditions. This variant is not present in population databases (gnomAD no frequency). This sequence change replaces glutamic acid, which is acidic and polar, with valine, which is neutral and non-polar, at codon 102 of the MAP2K1 protein (p.Glu102Val).

Literature cited by the submitters: PubMed 25423878.